The following is an entry in ClinVar:

NM_021008.4(DEAF1):c.1304A>G (p.Lys435Arg)

Genes: DEAF1 (DEAF1 transcription factor; minus strand), LOC126861109 (BRD4-independent group 4 enhancer GRCh37_chr11:673917-675116; plus strand). Cytogenetic location: 11p15.5.
Variant type: single nucleotide variant.
Coding change: c.1304A>G on transcript NM_021008.4 (MANE Select); coding-DNA position 1304, A replaced by G.
Protein change: p.Lys435Arg; replaces lysine 435 with arginine.
Molecular consequence: missense variant.
Genome position (GRCh38, 1-based): chr11:674,735, T>C on the plus strand (A>G on the coding strand, the complement: DEAF1 is on the minus strand). VCF-style: chr11-674735-T-C. GRCh37 (hg19) VCF-style: chr11-674735-T-C.
Other names: c.1037A>G, p.Lys346Arg (NM_001293634.2); c.578A>G, p.Lys193Arg (NM_001367390.1, NM_001440885.1, NM_001440886.1 and 1 more transcripts); c.1304A>G, p.Lys435Arg (NM_001440883.1); c.1175A>G, p.Lys392Arg (NM_001440884.1); short protein forms K346R, K392R, K193R, K435R.
Identifiers: ClinVar variation 4746218 (VCV004746218.1).

ClinVar aggregate classification (germline): Uncertain significance (1 of 4 stars; one submission).

Submission:

Labcorp Genetics (formerly Invitae), Labcorp
Classification: Uncertain significance. Last evaluated: 2025-05-01. Review status: criteria provided, single submitter. Criteria: Invitae Variant Classification Sherloc (09022015). Collection method: clinical testing. Allele origin: germline.
Comment: This sequence change replaces lysine, which is basic and polar, with arginine, which is basic and polar, at codon 435 of the DEAF1 protein (p.Lys435Arg). This variant is not present in population databases (gnomAD no frequency). This variant has not been reported in the literature in individuals affected with DEAF1-related conditions. Invitae Evidence Modeling of protein sequence and biophysical properties (such as structural, functional, and spatial information, amino acid conservation, physicochemical variation, residue mobility, and thermodynamic stability) has been performed for this missense variant. However, the output from this modeling did not meet the statistical confidence thresholds required to predict the impact of this variant on DEAF1 protein function. In summary, the available evidence is currently insufficient to determine the role of this variant in disease. Therefore, it has been classified as a Variant of Uncertain Significance.